The following is an entry in ClinVar:

ClinVar aggregate classification (germline): Uncertain significance (1 of 4 stars; one submission).

Allele frequency attached by ClinVar (database versions not stated): TOPMed 0.00002; gnomAD 0.00003.
gnomAD v4.1: 7 of 1,583,754 alleles (0.00044%); highest among the groups gnomAD compares: African/African-American, 0.0081%; no homozygotes.

Submission:

Labcorp Genetics (formerly Invitae), Labcorp
Classification: Uncertain significance. Last evaluated: 2022-03-18. Review status: criteria provided, single submitter. Criteria: Invitae Variant Classification Sherloc (09022015). Collection method: clinical testing. Allele origin: germline.
Comment: In summary, the available evidence is currently insufficient to determine the role of this variant in disease. Therefore, it has been classified as a Variant of Uncertain Significance. Algorithms developed to predict the effect of missense changes on protein structure and function are either unavailable or do not agree on the potential impact of this missense change (SIFT: "Deleterious"; PolyPhen-2: "Not Available"; Align-GVGD: "Class C0"). This variant has not been reported in the literature in individuals affected with PCLO-related conditions. The frequency data for this variant in the population databases is considered unreliable, as metrics indicate poor data quality at this position in the gnomAD database. This sequence change replaces glycine, which is neutral and non-polar, with valine, which is neutral and non-polar, at codon 40 of the PCLO protein (p.Gly40Val).

NM_033026.6(PCLO):c.119G>T (p.Gly40Val)

Gene: PCLO (piccolo presynaptic cytomatrix protein; minus strand). Cytogenetic location: 7q21.11.
Variant type: single nucleotide variant.
Coding change: c.119G>T on transcript NM_033026.6 (MANE Select); coding-DNA position 119, G replaced by T.
Protein change: p.Gly40Val; replaces glycine 40 with valine.
Molecular consequence: missense variant.
Genome position (GRCh38, 1-based): chr7:83,162,474, C>A on the plus strand (G>T on the coding strand, the complement: PCLO is on the minus strand). VCF-style: chr7-83162474-C-A. GRCh37 (hg19) VCF-style: chr7-82791790-C-A.
Other names: c.119G>T, p.Gly40Val (NM_014510.3); short protein forms G40V.
Identifiers: ClinVar variation 2044877 (VCV002044877.2), dbSNP rs1344582742, ClinGen allele CA367922411.